The following is an entry in ClinVar:

ClinVar aggregate classification (germline): Likely benign. Review status: criteria provided, single submitter (1 of 4 stars). 2 submissions from 2 submitters: Likely benign (1). 1 of the submissions does not count toward it. Last evaluated 2018-11-30.

Conditions:
EP300-related disorder. Also called: EP300-related condition; EP300-related disorders.

Allele frequency attached by ClinVar (database versions not stated): gnomAD exomes below 0.00001; ExAC 0.00002; TOPMed 0.00003.
gnomAD v4.1: 6 of 1,601,708 alleles (0.00037%); highest among the groups gnomAD compares: Admixed American, 0.0053%; no homozygotes.

Submissions (2):

GeneDx
Classification: Likely benign. Last evaluated: 2018-11-30. Review status: criteria provided, single submitter. Criteria: GeneDx Variant Classification Process June 2021. Collection method: clinical testing. Allele origin: germline. Affected: yes.

PreventionGenetics, part of Exact Sciences
Classification: Likely benign for EP300-related condition. Last evaluated: 2022-04-06. Review status: no assertion criteria provided. Collection method: clinical testing. Allele origin: germline. Not counted in ClinVar's aggregate classification.
Comment: This variant is classified as likely benign based on ACMG/AMP sequence variant interpretation guidelines (Richards et al. 2015 PMID: 25741868, with internal and published modifications).

NM_001429.4(EP300):c.*6C>T

Gene: EP300 (E1A binding protein p300; plus strand). Cytogenetic location: 22q13.2.
Variant type: single nucleotide variant.
Coding change: c.*6C>T on transcript NM_001429.4 (MANE Select); 6 bases downstream of the stop codon, C replaced by T.
Molecular consequence: 3 prime UTR variant.
Genome position (GRCh38, 1-based): chr22:41,178,962, C>T. VCF-style: chr22-41178962-C-T. GRCh37 (hg19) VCF-style: chr22-41574966-C-T.
Other names: c.*6C>T (NM_001362843.2, NM_001429.3).
Identifiers: ClinVar variation 1212961 (VCV001212961.5), dbSNP rs544616799, ClinGen allele CA10254076.